The following is an entry in ClinVar:

ClinVar aggregate classification (germline): Uncertain significance (1 of 4 stars; one submission).

Submission:

GeneDx
Classification: Uncertain significance. Last evaluated: 2025-02-03. Review status: criteria provided, single submitter. Criteria: GeneDx Variant Classification Process June 2021. Collection method: clinical testing. Allele origin: germline. Affected: yes.
Comment: Not observed at significant frequency in large population cohorts (gnomAD); In silico analysis indicates that this missense variant does not alter protein structure/function; Has not been previously published as pathogenic or benign to our knowledge

NM_004519.4(KCNQ3):c.1834G>C (p.Glu612Gln)

Gene: KCNQ3 (potassium voltage-gated channel subfamily Q member 3; minus strand). Cytogenetic location: 8q24.22.
Variant type: single nucleotide variant.
Coding change: c.1834G>C on transcript NM_004519.4 (MANE Select); coding-DNA position 1834, G replaced by C.
Protein change: p.Glu612Gln; replaces glutamic acid 612 with glutamine.
Molecular consequence: missense variant.
Genome position (GRCh38, 1-based): chr8:132,132,230, C>G on the plus strand (G>C on the coding strand, the complement: KCNQ3 is on the minus strand). VCF-style: chr8-132132230-C-G. GRCh37 (hg19) VCF-style: chr8-133144477-C-G.
Other names: c.1474G>C, p.Glu492Gln (NM_001204824.2); short protein forms E492Q, E612Q.
Identifiers: ClinVar variation 4072567 (VCV004072567.1).
Genomic context (GRCh38, chr8:132,132,230, plus strand): 5'-AAAGACTTACCTGTCTTTCAACTTTTACAAACTTCCCCATCATGCTTTGGTCTTCGATTT[C>G]TGATGTGGATGGTCTGGCTACATATGGTTCATTCCTAAGAAGAAGCGAACACTTCTATAA-3'
Protein context (NP_004510.1, residues 602-622): EPYVARPSTS[Glu612Gln]IEDQSMMGKF